The following is an entry in ClinVar:

NM_024721.5(ZFHX4):c.5469GCA[2] (p.Gln1828_Gln1829del)

Gene: ZFHX4 (zinc finger homeobox 4; plus strand). Cytogenetic location: 8q21.13.
Variant type: Microsatellite.
Coding change: c.5469GCA[2] on transcript NM_024721.5 (MANE Select); two copies in a row of the 3-base unit GCA starting at c.5469; the reference has four copies in a row; two copies, 6 bases deleted.
Protein change: p.Gln1828_Gln1829del.
Molecular consequence: inframe deletion.
Genome position (GRCh38, 1-based): chr8:76,852,396-76,852,401, GCAGCA deleted; deleting any 6 consecutive bases within chr8:76,852,388-76,852,401 gives the same sequence; the position shown is the placement nearest the transcript's 3' end. VCF-style (leftmost placement, unchanged base first): chr8-76852387-ACAGCAG-A. GRCh37 (hg19) VCF-style: chr8-77764623-ACAGCAG-A.
Other names: c.5391GCA[2], p.Gln1802_Gln1803del (NM_001410934.1).
Identifiers: ClinVar variation 4975613 (VCV004975613.1).
Genomic context (GRCh38, chr8:76,852,387, plus strand): 5'-ATACCAAGCCACACAGCCCCAGCTGCAGCCTCAAAAACAACAGCAGCAGCCACCACCTCC[ACAGCAG>A]CAGCAGCAACAGCAGGCAAGCAAATTATTGAAACAAGAGCAAAGTAACATAGTGAGTGCA-3'

ClinVar aggregate classification (germline): Uncertain significance (1 of 4 stars; one submission).

Submission:

GeneDx
Classification: Uncertain significance. Last evaluated: 2026-01-24. Review status: criteria provided, single submitter. Criteria: GeneDx Variant Classification Process June 2021. Collection method: clinical testing. Allele origin: germline.
Comment: Not observed at significant frequency in large population cohorts (gnomAD); In-frame deletion of 2 of amino acids in a repetitive region with no known function; Has not been previously published as pathogenic or benign to our knowledge